The following is an entry in ClinVar:

ClinVar aggregate classification (germline): Uncertain significance (1 of 4 stars; one submission).

Allele frequency attached by ClinVar (database versions not stated): TOPMed below 0.00001; ExAC 0.00001.

Submission:

Labcorp Genetics (formerly Invitae), Labcorp
Classification: Uncertain significance. Last evaluated: 2022-06-23. Review status: criteria provided, single submitter. Criteria: Invitae Variant Classification Sherloc (09022015). Collection method: clinical testing. Allele origin: germline.
Comment: In summary, the available evidence is currently insufficient to determine the role of this variant in disease. Therefore, it has been classified as a Variant of Uncertain Significance. Algorithms developed to predict the effect of missense changes on protein structure and function (SIFT, PolyPhen-2, Align-GVGD) all suggest that this variant is likely to be tolerated. This variant has not been reported in the literature in individuals affected with UBR1-related conditions. This variant is present in population databases (rs773402048, gnomAD 0.007%). This sequence change replaces leucine, which is neutral and non-polar, with valine, which is neutral and non-polar, at codon 1378 of the UBR1 protein (p.Leu1378Val).

NM_174916.3(UBR1):c.4132C>G (p.Leu1378Val)

Gene: UBR1 (ubiquitin protein ligase E3 component n-recognin 1; minus strand). Cytogenetic location: 15q15.2.
Variant type: single nucleotide variant.
Coding change: c.4132C>G on transcript NM_174916.3 (MANE Select); coding-DNA position 4132, C replaced by G.
Protein change: p.Leu1378Val; replaces leucine 1378 with valine.
Molecular consequence: missense variant.
Genome position (GRCh38, 1-based): chr15:42,983,915, G>C on the plus strand (C>G on the coding strand, the complement: UBR1 is on the minus strand). VCF-style: chr15-42983915-G-C. GRCh37 (hg19) VCF-style: chr15-43276113-G-C.
Other names: short protein forms L1378V.
Identifiers: ClinVar variation 1941459 (VCV001941459.3), dbSNP rs773402048, ClinGen allele CA7517975.